The following is an entry in ClinVar:

ClinVar aggregate classification (germline): Uncertain significance (1 of 4 stars; one submission).

Conditions:
Gastrointestinal stromal tumor. Also called: Gastrointestinal stroma tumor; Gastrointestinal stromal tumor, somatic. Identifiers: Orphanet 44890, MedGen C0238198, MeSH D046152, MONDO:0011719, OMIM 606764, HP:0100723.

Submission:

Labcorp Genetics (formerly Invitae), Labcorp
Classification: Uncertain significance for Gastrointestinal stromal tumor. Last evaluated: 2021-08-13. Review status: criteria provided, single submitter. Criteria: Invitae Variant Classification Sherloc (09022015). Collection method: clinical testing. Allele origin: germline.
Comment: In summary, the available evidence is currently insufficient to determine the role of this variant in disease. Therefore, it has been classified as a Variant of Uncertain Significance. Algorithms developed to predict the effect of sequence changes on RNA splicing suggest that this variant may disrupt the consensus splice site. This variant has not been reported in the literature in individuals affected with PDGFRA-related conditions. This variant is not present in population databases (ExAC no frequency). This sequence change falls in intron 3 of the PDGFRA gene. It does not directly change the encoded amino acid sequence of the PDGFRA protein.

NM_006206.6(PDGFRA):c.368-7dup

Gene: PDGFRA (platelet derived growth factor receptor alpha; plus strand). Cytogenetic location: 4q12.
Variant type: Duplication.
Coding change: c.368-7dup on transcript NM_006206.6 (MANE Select); 7 bases into the intron before coding-DNA position 368, one base duplicated (A; older notation c.368-7dupA).
Molecular consequence: intron variant.
Genome position (GRCh38, 1-based): chr4:54,263,660, A duplicated; the last of 3 consecutive A bases (chr4:54,263,658-54,263,660); duplicating any one gives the same sequence. VCF-style (leftmost placement, unchanged base first): chr4-54263657-T-TA. GRCh37 (hg19) VCF-style: chr4-55129824-T-TA.
Other names: c.443-7dup (NM_001347828.2); c.368-7dup (NM_001347827.2, NM_001347829.2); c.407-7dup (NM_001347830.2).
Identifiers: ClinVar variation 1374766 (VCV001374766.6), dbSNP rs2110250288, ClinGen allele CA2573137723.
Genomic context (GRCh38, chr4:54,263,657, plus strand): 5'-GTTTTTCTGGATTTATGTGTAAAGGTGAAATTAATGTCTAATAGAGTCTTCATTCTTTTT[T>TA]AAACCACAGACCCAGATGTAGCCTTTGTACCTCTAGGAATGACGGATTATTTAGTCATCG-3'